The following is an entry in ClinVar:

NM_014639.4(SKIC3):c.4044_4045del (p.Cys1349fs)

Gene: SKIC3 (SKI3 subunit of superkiller complex; minus strand). Cytogenetic location: 5q15.
Variant type: Microsatellite.
Coding change: c.4044_4045del on transcript NM_014639.4 (MANE Select); coding-DNA positions 4044 to 4045, 2 bases deleted (CT; older notation c.4044_4045delCT).
Protein change: p.Cys1349fs; shifts the reading frame from cysteine 1349.
Molecular consequence: frameshift variant.
Genome position (GRCh38, 1-based): chr5:95,484,732-95,484,733, AG deleted on the plus strand (CT on the coding strand, the reverse complement: SKIC3 is on the minus strand); deleting any 2 consecutive bases within chr5:95,484,732-95,484,737 gives the same sequence; the c. name uses the placement nearest the transcript's 3' end. VCF-style (leftmost placement, unchanged base first): chr5-95484731-CAG-C. GRCh37 (hg19) VCF-style: chr5-94820435-CAG-C.
Other names: short protein forms C1349fs.
Identifiers: ClinVar variation 2873044 (VCV002873044.3), dbSNP rs752381391, ClinGen allele CA3346523.

ClinVar aggregate classification (germline): Pathogenic (1 of 4 stars; one submission).

Submission:

Labcorp Genetics (formerly Invitae), Labcorp
Classification: Pathogenic. Last evaluated: 2023-05-02. Review status: criteria provided, single submitter. Criteria: Invitae Variant Classification Sherloc (09022015). Collection method: clinical testing. Allele origin: germline.
Comment: For these reasons, this variant has been classified as Pathogenic. This variant has not been reported in the literature in individuals affected with TTC37-related conditions. This sequence change creates a premature translational stop signal (p.Cys1349Hisfs*7) in the TTC37 gene. It is expected to result in an absent or disrupted protein product. Loss-of-function variants in TTC37 are known to be pathogenic (PMID: 20176027, 21120949). This variant is present in population databases (rs752381391, gnomAD 0.003%).

Literature cited by the submitters: PubMed 20176027; PubMed 21120949.